The following is an entry in ClinVar:

NM_004211.5(SLC6A5):c.267G>T (p.Ala89=)

Gene: SLC6A5 (solute carrier family 6 member 5; plus strand). Cytogenetic location: 11p15.1.
Variant type: single nucleotide variant.
Coding change: c.267G>T on transcript NM_004211.5 (MANE Select); coding-DNA position 267, G replaced by T.
Protein change: p.Ala89=; no amino-acid change (alanine 89 retained).
Molecular consequence: synonymous variant. On other transcripts: 5 prime UTR variant (1).
Genome position (GRCh38, 1-based): chr11:20,601,392, G>T. VCF-style: chr11-20601392-G-T. GRCh37 (hg19) VCF-style: chr11-20622938-G-T.
Other names: c.-297G>T (NM_001318369.2); c.267G>T (NM_004211.4).
Identifiers: ClinVar variation 1459389 (VCV001459389.10), dbSNP rs569857405, ClinGen allele CA5921026.

ClinVar aggregate classification (germline): Likely benign. Review status: criteria provided, single submitter (1 of 4 stars). 2 submissions from 2 submitters: Likely benign (1). 1 of the submissions does not count toward it. Last evaluated 2025-02-23.

Conditions:
Hyperekplexia 3 (HKPX3). Also called: HYPEREKPLEXIA 3, AUTOSOMAL RECESSIVE; HYPEREKPLEXIA 3, AUTOSOMAL DOMINANT. Identifiers: Orphanet 3197, MedGen C3553288, MONDO:0013827, OMIM 614618.
SLC6A5-related disorder. Also called: SLC6A5-related condition.

Allele frequency attached by ClinVar (database versions not stated): gnomAD 0.00006; gnomAD exomes 0.00006 and 0.00013; TOPMed 0.00011.
gnomAD v4.1: 89 of 1,604,150 alleles (0.0055%); highest among the groups gnomAD compares: East Asian, 0.19%; no homozygotes.

Submissions (2):

Labcorp Genetics (formerly Invitae), Labcorp
Classification: Likely benign for Hyperekplexia 3. Last evaluated: 2025-02-23. Review status: criteria provided, single submitter. Criteria: Invitae Variant Classification Sherloc (09022015). Collection method: clinical testing. Allele origin: germline.

PreventionGenetics, part of Exact Sciences
Classification: Likely benign for SLC6A5-related condition. Last evaluated: 2019-06-25. Review status: no assertion criteria provided. Collection method: clinical testing. Allele origin: germline. Not counted in ClinVar's aggregate classification.
Comment: This variant is classified as likely benign based on ACMG/AMP sequence variant interpretation guidelines (Richards et al. 2015 PMID: 25741868, with internal and published modifications).